The following is an entry in ClinVar:

ClinVar aggregate classification (germline): Pathogenic/Likely pathogenic. Review status: criteria provided, multiple submitters, no conflicts (2 of 4 stars). 4 submissions from 4 submitters: Pathogenic (3); Likely pathogenic (1). Last evaluated 2024-12-05.

Conditions:
Familial adenomatous polyposis 4 (FAP4). Also called: MSH3-related attenuated familial adenomatous polyposis. Identifiers: Orphanet 480536, MedGen C4310719, MONDO:0044300, OMIM 617100.
Hereditary cancer-predisposing syndrome. Also called: Tumor predisposition; Hereditary neoplastic syndrome; Neoplastic Syndromes, Hereditary; Hereditary Cancer Syndrome. Identifiers: Orphanet 140162, MedGen C0027672, MeSH D009386, MONDO:0015356.
Endometrial carcinoma. Also called: Endometrial carcinoma, somatic. Identifiers: MedGen C0476089, MONDO:0002447, OMIM 608089, HP:0012114.

Allele frequency attached by ClinVar (database versions not stated): ExAC 0.00001.
gnomAD v4.1: 7 of 1,613,556 alleles (0.00043%); highest among the groups gnomAD compares: Admixed American, 0.0017%; no homozygotes.

Submissions (4):

Ambry Genetics
Classification: Pathogenic for Hereditary cancer-predisposing syndrome. Last evaluated: 2024-12-05. Review status: criteria provided, single submitter. Criteria: Ambry Variant Classification Scheme 2023. Collection method: clinical testing. Allele origin: germline.
Comment: The p.Q1058* pathogenic mutation (also known as c.3172C>T), located in coding exon 23 of the MSH3 gene, results from a C to T substitution at nucleotide position 3172. This changes the amino acid from a glutamine to a stop codon within coding exon 23. This variant is considered to be rare based on population cohorts in the Genome Aggregation Database (gnomAD). This alteration is expected to result in loss of function by premature protein truncation or nonsense-mediated mRNA decay. As such, this alteration is interpreted as a disease-causing mutation.

Baylor Genetics
Classification: Likely pathogenic for Endometrial carcinoma. Last evaluated: 2023-11-23. Review status: criteria provided, single submitter. Criteria: ACMG Guidelines, 2015. Collection method: clinical testing. Allele origin: unknown.

Myriad Genetics, Inc.
Classification: Pathogenic for Familial adenomatous polyposis 4. Last evaluated: 2023-08-31. Review status: criteria provided, single submitter. Criteria: Myriad Autosomal Dominant, Autosomal Recessive and X-Linked Classification Criteria (2023). Collection method: clinical testing. Allele origin: unknown.
Comment: This variant is considered pathogenic. This variant creates a termination codon and is predicted to result in premature protein truncation.

Labcorp Genetics (formerly Invitae), Labcorp
Classification: Pathogenic. Last evaluated: 2022-12-16. Review status: criteria provided, single submitter. Criteria: Invitae Variant Classification Sherloc (09022015). Collection method: clinical testing. Allele origin: germline.
Comment: For these reasons, this variant has been classified as Pathogenic. This variant has not been reported in the literature in individuals affected with MSH3-related conditions. This variant is present in population databases (rs752664887, gnomAD 0.003%). This sequence change creates a premature translational stop signal (p.Gln1058*) in the MSH3 gene. It is expected to result in an absent or disrupted protein product. Loss-of-function variants in MSH3 are known to be pathogenic (PMID: 27476653).

Literature cited by the submitters: PubMed 27476653 (cited by Labcorp Genetics (formerly Invitae), Labcorp).

NM_002439.5(MSH3):c.3172C>T (p.Gln1058Ter)

Gene: MSH3 (mutS homolog 3; plus strand). Cytogenetic location: 5q14.1.
Variant type: single nucleotide variant.
Coding change: c.3172C>T on transcript NM_002439.5 (MANE Select); coding-DNA position 3172, C replaced by T.
Protein change: p.Gln1058Ter; replaces glutamine 1058 with a stop codon.
Molecular consequence: nonsense.
Genome position (GRCh38, 1-based): chr5:80,873,157, C>T. VCF-style: chr5-80873157-C-T. GRCh37 (hg19) VCF-style: chr5-80168976-C-T.
Other names: c.3172C>T (NM_002439.3); short protein forms Q1058*.
Identifiers: ClinVar variation 2673512 (VCV002673512.6), dbSNP rs752664887, ClinGen allele CA3328474.